The following is an entry in ClinVar:

ClinVar aggregate classification (germline): Uncertain significance (1 of 4 stars; one submission).

gnomAD v4.1: 1 of 1,614,162 alleles (0.000062%); highest among the groups gnomAD compares: Non-Finnish European, 0.000085%; no homozygotes.

Submission:

GeneDx
Classification: Uncertain significance. Last evaluated: 2023-06-29. Review status: criteria provided, single submitter. Criteria: GeneDx Variant Classification Process June 2021. Collection method: clinical testing. Allele origin: germline. Affected: yes.
Comment: Not observed at significant frequency in large population cohorts (gnomAD); In silico analysis supports that this missense variant has a deleterious effect on protein structure/function; Has not been previously published as pathogenic or benign to our knowledge

NM_001376.5(DYNC1H1):c.7936A>G (p.Asn2646Asp)

Gene: DYNC1H1 (dynein cytoplasmic 1 heavy chain 1; plus strand). Cytogenetic location: 14q32.31.
Variant type: single nucleotide variant.
Coding change: c.7936A>G on transcript NM_001376.5 (MANE Select); coding-DNA position 7936, A replaced by G.
Protein change: p.Asn2646Asp; replaces asparagine 2646 with aspartic acid.
Molecular consequence: missense variant.
Genome position (GRCh38, 1-based): chr14:102,017,175, A>G. VCF-style: chr14-102017175-A-G. GRCh37 (hg19) VCF-style: chr14-102483512-A-G.
Other names: short protein forms N2646D.
Identifiers: ClinVar variation 3360692 (VCV003360692.1).
Genomic context (GRCh38, chr14:102,017,175, plus strand): 5'-ACTACTCCAGAGCTGCTTCTGAAGACTTTTGATCACTACTGCGAGTACAGGCGCACACCT[A>G]ATGGGGTGGTTTTGGCTCCTGTTCAACTTGGAAAGTGGCTGGTGTTGTTCTGTGATGAAA-3'
Protein context (NP_001367.2, residues 2636-2656): DHYCEYRRTP[Asn2646Asp]GVVLAPVQLG